The following is an entry in ClinVar:

ClinVar aggregate classification (germline): Pathogenic. Review status: criteria provided, single submitter (1 of 4 stars). 2 submissions from 2 submitters: Pathogenic (1). 1 of the submissions does not count toward it. Last evaluated 2024-09-19.

Conditions:
Sjögren-Larsson syndrome (SLS). Also called: FALDH DEFICIENCY; FATTY ALCOHOL:NAD+ OXIDOREDUCTASE DEFICIENCY; FATTY ALDEHYDE DEHYDROGENASE DEFICIENCY; ICHTHYOSIS, SPASTIC NEUROLOGIC DISORDER, AND OLIGOPHRENIA. Identifiers: Orphanet 816, MedGen C0037231, MONDO:0010031, OMIM 270200.

Allele frequency attached by ClinVar (database versions not stated): gnomAD 0.00001.

Submissions (2):

Myriad Genetics, Inc.
Classification: Pathogenic for Sjögren-Larsson syndrome. Last evaluated: 2024-09-19. Review status: criteria provided, single submitter. Criteria: Myriad Autosomal Dominant, Autosomal Recessive and X-Linked Classification Criteria (2023). Collection method: clinical testing. Allele origin: unknown.
Comment: NM_000382.2(ALDH3A2):c.941_942ins8(P315Kfs*16) is expected to be pathogenic in the context of Sjogren-Larsson syndrome. This variant is predicted to lead to an abnormal or absent protein product due to the creation of a premature termination codon in ALDH3A2, a gene where loss-of-function variants are known to be pathogenic. Please note: this variant was assessed in the context of healthy population screening.

Mayo Clinic Laboratories, Mayo Clinic
Classification: Likely pathogenic. Last evaluated: 2016-03-12. Review status: no assertion criteria provided. Collection method: clinical testing. Allele origin: unknown. Not counted in ClinVar's aggregate classification.

NM_000382.3(ALDH3A2):c.941_942insTAAAAGTA (p.Pro315fs)

Gene: ALDH3A2 (aldehyde dehydrogenase 3 family member A2; plus strand). Cytogenetic location: 17p11.2.
Variant type: Insertion.
Coding change: c.941_942insTAAAAGTA on transcript NM_000382.3 (MANE Select); coding-DNA positions 941 to 942, TAAAAGTA inserted.
Protein change: p.Pro315fs; shifts the reading frame from proline 315.
Molecular consequence: frameshift variant.
Genome position: GRCh38 VCF-style: chr17-19663333-C-CTAAAAGTA. GRCh37 (hg19) VCF-style: chr17-19566646-C-CTAAAAGTA.
Other names: c.941_942insTAAAAGTA, p.Pro315fs (NM_001031806.2, NM_001369136.1, NM_001369137.2 and 3 more transcripts); c.362_363insTAAAAGTA, p.Pro122fs (NM_001369148.2); short protein forms P122fs, P315fs.
Identifiers: ClinVar variation 559250 (VCV000559250.6), dbSNP rs1555534430, ClinGen allele CA658824178.